The following is an entry in ClinVar:

ClinVar aggregate classification (germline): Pathogenic/Likely pathogenic. Review status: criteria provided, multiple submitters, no conflicts (2 of 4 stars). 2 submissions from 2 submitters: Pathogenic (1); Likely pathogenic (1). Last evaluated 2025-07-22.

Conditions:
Autosomal recessive polycystic kidney disease (ARPKD). Also called: AR polycystic kidney disease. Identifiers: Orphanet 731, Orphanet 8378, MedGen C0085548, MeSH D017044, MONDO:0009889.

Submissions (2):

Natera, Inc.
Classification: Likely pathogenic for Autosomal recessive polycystic kidney disease. Last evaluated: 2025-07-22. Review status: criteria provided, single submitter. Criteria: Natera Variant Classification Schema (03/2026). Collection method: clinical testing. Allele origin: germline.
Comment: The c.131delG variant in PKHD1 is a frameshift variant predicted to shift the reading frame beginning at codon 44 and leads to a stop codon 20 codons downstream. This variant is expected to result in nonsense mediated decay, truncation, or a dysfunctional protein product. This variant is rare in the general population with a frequency below the threshold expected for the associated phenotype(s). Given the available evidence, this variant is classified as Likely Pathogenic.

Labcorp Genetics (formerly Invitae), Labcorp
Classification: Pathogenic for Autosomal recessive polycystic kidney disease. Last evaluated: 2023-09-18. Review status: criteria provided, single submitter. Criteria: Invitae Variant Classification Sherloc (09022015). Collection method: clinical testing. Allele origin: germline.
Comment: This variant is not present in population databases (gnomAD no frequency). This sequence change creates a premature translational stop signal (p.Gly44Valfs*20) in the PKHD1 gene. It is expected to result in an absent or disrupted protein product. Loss-of-function variants in PKHD1 are known to be pathogenic (PMID: 19940839). This variant has not been reported in the literature in individuals affected with PKHD1-related conditions. For these reasons, this variant has been classified as Pathogenic. Algorithms developed to predict the effect of sequence changes on RNA splicing suggest that this variant may disrupt the consensus splice site. ClinVar contains an entry for this variant (Variation ID: 2418239).

Literature cited by the submitters: PubMed 19940839 (cited by Labcorp Genetics (formerly Invitae), Labcorp).

NM_138694.3(PKHD1):c.131delG

Gene: PKHD1 (PKHD1 ciliary IPT domain containing fibrocystin/polyductin; minus strand). Cytogenetic location: 6p12.2.
Variant type: Deletion.
Coding change: c.131delG on transcript NM_138694.3; coding-DNA position 131, one base deleted (G).
Genome position (GRCh38, 1-based): chr6:52,082,542, C deleted on the plus strand (G on the coding strand, the reverse complement: PKHD1 is on the minus strand); the first of 2 consecutive C bases (chr6:52,082,542-52,082,543); deleting either gives the same sequence. VCF-style (leftmost placement, unchanged base first): chr6-52082541-AC-A. GRCh37 (hg19) VCF-style: chr6-51947339-AC-A.
Identifiers: ClinVar variation 2418239 (VCV002418239.7), dbSNP rs1812197323, ClinGen allele CA1628652596.